The following is an entry in ClinVar:

NM_000051.4(ATM):c.3307G>C (p.Asp1103His)

Gene: ATM (ATM serine/threonine kinase; plus strand). Cytogenetic location: 11q22.3.
Variant type: single nucleotide variant.
Coding change: c.3307G>C on transcript NM_000051.4 (MANE Select); coding-DNA position 3307, G replaced by C.
Protein change: p.Asp1103His; replaces aspartic acid 1103 with histidine.
Molecular consequence: missense variant.
Genome position (GRCh38, 1-based): chr11:108,279,513, G>C. VCF-style: chr11-108279513-G-C. GRCh37 (hg19) VCF-style: chr11-108150240-G-C.
Other names: c.3307G>C, p.Asp1103His (NM_001351834.2); short protein forms D1103H.
Identifiers: ClinVar variation 482652 (VCV000482652.14), dbSNP rs1555090114, ClinGen allele CA382517380.

ClinVar aggregate classification (germline): Uncertain significance. Review status: criteria provided, multiple submitters, no conflicts (2 of 4 stars). 4 submissions from 4 submitters: Uncertain significance (4). Last evaluated 2026-02-03.

Conditions:
Familial cancer of breast. Also called: BREAST CANCER, FAMILIAL; Hereditary breast cancer; hereditary breast carcinoma. Identifiers: Orphanet 227535, MedGen C0346153, MONDO:0016419, OMIM 114480. Disease mechanism: loss of function.
Ataxia-telangiectasia syndrome (AT). Also called: LOUIS-BAR SYNDROME; Cerebello-oculocutaneous telangiectasia; Immunodeficiency with ataxia telangiectasia; AT, COMPLEMENTATION GROUP C; Ataxia-telangiectasia, complementation group D; ATAXIA-TELANGIECTASIA, COMPLEMENTATION GROUP A. Identifiers: Orphanet 100, MedGen C0004135, MONDO:0008840, OMIM 208900.
Hereditary cancer-predisposing syndrome. Also called: Hereditary neoplastic syndrome; Neoplastic Syndromes, Hereditary; Tumor predisposition; Hereditary Cancer Syndrome. Identifiers: Orphanet 140162, MedGen C0027672, MeSH D009386, MONDO:0015356.

gnomAD v4.1: 4 of 1,612,496 alleles (0.00025%); highest among the groups gnomAD compares: Admixed American, 0.0017%; no homozygotes.

Submissions (4):

Labcorp Genetics (formerly Invitae), Labcorp
Classification: Uncertain significance for Ataxia-telangiectasia syndrome. Last evaluated: 2026-02-03. Review status: criteria provided, single submitter. Criteria: Invitae Variant Classification Sherloc (09022015). Collection method: clinical testing. Allele origin: germline.
Comment: This sequence change replaces aspartic acid, which is acidic and polar, with histidine, which is basic and polar, at codon 1103 of the ATM protein (p.Asp1103His). This variant is not present in population databases (gnomAD no frequency). This variant has not been reported in the literature in individuals affected with ATM-related conditions. ClinVar contains an entry for this variant (Variation ID: 482652). Invitae Evidence Modeling of protein sequence and biophysical properties (such as structural, functional, and spatial information, amino acid conservation, physicochemical variation, residue mobility, and thermodynamic stability) indicates that this missense variant is not expected to disrupt ATM protein function with a negative predictive value of 95%. In summary, the available evidence is currently insufficient to determine the role of this variant in disease. Therefore, it has been classified as a Variant of Uncertain Significance.

Ambry Genetics
Classification: Uncertain significance for Hereditary cancer-predisposing syndrome. Last evaluated: 2025-06-07. Review status: criteria provided, single submitter. Criteria: Ambry Variant Classification Scheme 2023. Collection method: clinical testing. Allele origin: germline.
Comment: The p.D1103H variant (also known as c.3307G>C), located in coding exon 22 of the ATM gene, results from a G to C substitution at nucleotide position 3307. The aspartic acid at codon 1103 is replaced by histidine, an amino acid with similar properties. This amino acid position is not well conserved in available vertebrate species. In addition, this alteration is predicted to be tolerated by in silico analysis. Since supporting evidence is limited at this time, the clinical significance of this alteration remains unclear.

Baylor Genetics
Classification: Uncertain significance for Familial cancer of breast. Last evaluated: 2023-11-23. Review status: criteria provided, single submitter. Criteria: ACMG Guidelines, 2015. Collection method: clinical testing. Allele origin: unknown.

Fulgent Genetics
Classification: Uncertain significance for Familial cancer of breast; Ataxia-telangiectasia syndrome. Last evaluated: 2021-10-19. Review status: criteria provided, single submitter. Criteria: ACMG Guidelines, 2015. Collection method: clinical testing. Allele origin: unknown.